The following is an entry in ClinVar:

NM_003659.4(AGPS):c.6G>A (p.Ala2=)

Genes: AGPS (alkylglycerone phosphate synthase; plus strand), LOC129935172 (ATAC-STARR-seq lymphoblastoid silent region 12147; plus strand). Cytogenetic location: 2q31.2.
Variant type: single nucleotide variant.
Coding change: c.6G>A on transcript NM_003659.4 (MANE Select); coding-DNA position 6, G replaced by A.
Protein change: p.Ala2=; no amino-acid change (alanine 2 retained).
Molecular consequence: synonymous variant.
Genome position (GRCh38, 1-based): chr2:177,392,795, G>A. VCF-style: chr2-177392795-G-A. GRCh37 (hg19) VCF-style: chr2-178257523-G-A.
Other names: c.6G>A (NM_003659.3).
Identifiers: ClinVar variation 1581501 (VCV001581501.10), dbSNP rs755836525, ClinGen allele CA1979984.

ClinVar aggregate classification (germline): Likely benign. Review status: criteria provided, single submitter (1 of 4 stars). 2 submissions from 2 submitters: Likely benign (1). 1 of the submissions does not count toward it. Last evaluated 2026-01-19.

Conditions:
AGPS-related disorder. Also called: AGPS-related condition.

Allele frequency attached by ClinVar (database versions not stated): ExAC 0.00008.
gnomAD v4.1: 9 of 1,498,108 alleles (0.0006%); highest among the groups gnomAD compares: South Asian, 0.0081%; no homozygotes.

Submissions (2):

Labcorp Genetics (formerly Invitae), Labcorp
Classification: Likely benign. Last evaluated: 2026-01-19. Review status: criteria provided, single submitter. Criteria: Invitae Variant Classification Sherloc (09022015). Collection method: clinical testing. Allele origin: germline.

PreventionGenetics, part of Exact Sciences
Classification: Likely benign for AGPS-related condition. Last evaluated: 2019-05-24. Review status: no assertion criteria provided. Collection method: clinical testing. Allele origin: germline. Not counted in ClinVar's aggregate classification.
Comment: This variant is classified as likely benign based on ACMG/AMP sequence variant interpretation guidelines (Richards et al. 2015 PMID: 25741868, with internal and published modifications).